The following is an entry in ClinVar:

ClinVar aggregate classification (germline): Uncertain significance (1 of 4 stars; one submission).

Conditions:
POLD1-related polyposis and colorectal cancer syndrome (CRCS10). Also called: Colorectal cancer, susceptibility to, 10; Colorectal cancer 10; COLORECTAL CANCER, SUSCEPTIBILITY TO, ON CHROMOSOME 19q. Identifiers: Orphanet 220460, MedGen C2675481, MONDO:0012953, OMIM 612591.

Submission:

Labcorp Genetics (formerly Invitae), Labcorp
Classification: Uncertain significance for POLD1-related polyposis and colorectal cancer syndrome. Last evaluated: 2020-10-16. Review status: criteria provided, single submitter. Criteria: Invitae Variant Classification Sherloc (09022015). Collection method: clinical testing. Allele origin: germline.
Comment: This sequence change replaces asparagine with aspartic acid at codon 169 of the POLD1 protein (p.Asn169Asp). The asparagine residue is moderately conserved and there is a small physicochemical difference between asparagine and aspartic acid. In summary, the available evidence is currently insufficient to determine the role of this variant in disease. Therefore, it has been classified as a Variant of Uncertain Significance. Algorithms developed to predict the effect of missense changes on protein structure and function output the following: SIFT: "Tolerated"; PolyPhen-2: "Benign"; Align-GVGD: "Class C0". The aspartic acid amino acid residue is found in multiple mammalian species, suggesting that this missense change does not adversely affect protein function. These predictions have not been confirmed by published functional studies and their clinical significance is uncertain. This variant has not been reported in the literature in individuals with POLD1-related conditions. This variant is not present in population databases (ExAC no frequency).

NM_002691.4(POLD1):c.505A>G (p.Asn169Asp)

Gene: POLD1 (DNA polymerase delta 1, catalytic subunit; plus strand). Cytogenetic location: 19q13.33.
Variant type: single nucleotide variant.
Coding change: c.505A>G on transcript NM_002691.4 (MANE Select); coding-DNA position 505, A replaced by G.
Protein change: p.Asn169Asp; replaces asparagine 169 with aspartic acid.
Molecular consequence: missense variant. On other transcripts: non-coding transcript variant (1).
Genome position (GRCh38, 1-based): chr19:50,402,040, A>G. VCF-style: chr19-50402040-A-G. GRCh37 (hg19) VCF-style: chr19-50905297-A-G.
Other names: c.505A>G, p.Asn169Asp (NM_001256849.1, NM_001308632.1); short protein forms N169D.
Identifiers: ClinVar variation 1060563 (VCV001060563.9), dbSNP rs2038660010, ClinGen allele CA406973063.
Genomic context (GRCh38, chr19:50,402,040, plus strand): 5'-ATCATCCCTCCCACACCAGGTTTCGGGCCCGAGCACATGGGTGACCTGCAACGGGAGCTG[A>G]ACTTGGCCATCAGCCGGGACAGTCGCGGGGGGAGGGAGCTGACTGGGCCGGCCGTGCTGG-3'
Protein context (NP_002682.2, residues 159-179): EHMGDLQREL[Asn169Asp]LAISRDSRGG